The following is an entry in ClinVar:

ClinVar aggregate classification (germline): Uncertain significance (1 of 4 stars; one submission).

Allele frequency attached by ClinVar (database versions not stated): gnomAD exomes below 0.00001 and 0.00002.
gnomAD v4.1: 2 of 1,529,504 alleles (0.00013%); highest among the groups gnomAD compares: Admixed American, 0.004%; no homozygotes.

Submission:

Labcorp Genetics (formerly Invitae), Labcorp
Classification: Uncertain significance. Last evaluated: 2021-08-09. Review status: criteria provided, single submitter. Criteria: Invitae Variant Classification Sherloc (09022015). Collection method: clinical testing. Allele origin: germline.
Comment: This sequence change replaces glycine with arginine at codon 27 of the NSUN2 protein (p.Gly27Arg). The glycine residue is weakly conserved and there is a moderate physicochemical difference between glycine and arginine. The frequency data for this variant in the population databases is considered unreliable, as metrics indicate insufficient coverage at this position in the ExAC database. This variant has not been reported in the literature in individuals affected with NSUN2-related conditions. Algorithms developed to predict the effect of missense changes on protein structure and function output the following: SIFT: "Tolerated"; PolyPhen-2: "Not Available"; Align-GVGD: "Class C0". The arginine amino acid residue is found in multiple mammalian species, which suggests that this missense change does not adversely affect protein function. In summary, the available evidence is currently insufficient to determine the role of this variant in disease. Therefore, it has been classified as a Variant of Uncertain Significance.

NM_017755.6(NSUN2):c.79G>A (p.Gly27Arg)

Gene: NSUN2 (NOP2/Sun RNA methyltransferase 2; minus strand). Cytogenetic location: 5p15.31.
Variant type: single nucleotide variant.
Coding change: c.79G>A on transcript NM_017755.6 (MANE Select); coding-DNA position 79, G replaced by A.
Protein change: p.Gly27Arg; replaces glycine 27 with arginine.
Molecular consequence: missense variant. On other transcripts: non-coding transcript variant (1).
Genome position (GRCh38, 1-based): chr5:6,632,901, C>T on the plus strand (G>A on the coding strand, the complement: NSUN2 is on the minus strand). VCF-style: chr5-6632901-C-T. GRCh37 (hg19) VCF-style: chr5-6633014-C-T.
Other names: c.79G>A, p.Gly27Arg (NM_001193455.2); short protein forms G27R.
Identifiers: ClinVar variation 1369298 (VCV001369298.6), dbSNP rs1260848466, ClinGen allele CA359130829.